The following is an entry in ClinVar:

NM_032801.5(JAM3):c.602C>G (p.Thr201Arg)

Gene: JAM3 (junctional adhesion molecule 3; plus strand). Cytogenetic location: 11q25.
Variant type: single nucleotide variant.
Coding change: c.602C>G on transcript NM_032801.5 (MANE Select); coding-DNA position 602, C replaced by G.
Protein change: p.Thr201Arg; replaces threonine 201 with arginine.
Molecular consequence: missense variant.
Genome position (GRCh38, 1-based): chr11:134,144,984, C>G. VCF-style: chr11-134144984-C-G. GRCh37 (hg19) VCF-style: chr11-134014879-C-G.
Other names: c.449C>G, p.Thr150Arg (NM_001205329.2); short protein forms T150R, T201R.
Identifiers: ClinVar variation 2065181 (VCV002065181.26), dbSNP rs776123733, ClinGen allele CA6370097.

ClinVar aggregate classification (germline): Uncertain significance. Review status: criteria provided, multiple submitters, no conflicts (2 of 4 stars). 2 submissions from 2 submitters: Uncertain significance (2). Last evaluated 2024-02-01.

Allele frequency attached by ClinVar (database versions not stated): gnomAD 0.00001; gnomAD exomes 0.00001; TOPMed 0.00001; ExAC 0.00002.
gnomAD v4.1: 12 of 1,612,948 alleles (0.00074%); highest among the groups gnomAD compares: Admixed American, 0.0017%; no homozygotes.

Submissions (2):

CeGaT Center for Human Genetics Tuebingen
Classification: Uncertain significance. Last evaluated: 2024-02-01. Review status: criteria provided, single submitter. Criteria: CeGaT Center For Human Genetics Tuebingen Variant Classification Criteria Version 2. Collection method: clinical testing. Allele origin: germline. Affected: yes. Observed: 1 variant allele.
Comment: JAM3: PM2

Labcorp Genetics (formerly Invitae), Labcorp
Classification: Uncertain significance. Last evaluated: 2022-09-27. Review status: criteria provided, single submitter. Criteria: Invitae Variant Classification Sherloc (09022015). Collection method: clinical testing. Allele origin: germline.
Comment: In summary, the available evidence is currently insufficient to determine the role of this variant in disease. Therefore, it has been classified as a Variant of Uncertain Significance. Advanced modeling of protein sequence and biophysical properties (such as structural, functional, and spatial information, amino acid conservation, physicochemical variation, residue mobility, and thermodynamic stability) performed at Invitae indicates that this missense variant is not expected to disrupt JAM3 protein function. This variant has not been reported in the literature in individuals affected with JAM3-related conditions. This variant is present in population databases (rs776123733, gnomAD 0.003%). This sequence change replaces threonine, which is neutral and polar, with arginine, which is basic and polar, at codon 201 of the JAM3 protein (p.Thr201Arg).